The following is an entry in ClinVar:

NM_001367949.2(FAT3):c.9000C>T (p.Leu3000=)

Gene: FAT3 (FAT atypical cadherin 3; plus strand). Cytogenetic location: 11q14.3.
Variant type: single nucleotide variant.
Coding change: c.9000C>T on transcript NM_001367949.2 (MANE Select); coding-DNA position 9000, C replaced by T.
Protein change: p.Leu3000=; no amino-acid change (leucine 3000 retained).
Molecular consequence: synonymous variant.
Genome position (GRCh38, 1-based): chr11:92,805,256, C>T. VCF-style: chr11-92805256-C-T. GRCh37 (hg19) VCF-style: chr11-92538422-C-T.
Other names: c.9000C>T, p.Leu3000= (NM_001008781.3).
Identifiers: ClinVar variation 783642 (VCV000783642.6), dbSNP rs59542280, ClinGen allele CA6227762.

ClinVar aggregate classification (germline): Benign. Review status: criteria provided, multiple submitters, no conflicts (2 of 4 stars). 3 submissions from 3 submitters: Benign (2). 1 of the submissions does not count toward it. Last evaluated 2018-04-26.

Conditions:
FAT3-related disorder. Also called: FAT3-related condition.

Allele frequency attached by ClinVar (database versions not stated): ExAC 0.00426; gnomAD 0.01517 and 0.01430; gnomAD exomes 0.00124 and 0.00339; 1000 Genomes Project 0.01558; TOPMed 0.01591; 1000 Genomes Project 30x 0.01593; ESP Exome Variant Server 0.01635.
gnomAD v4.1: 4,061 of 1,613,818 alleles (0.25%); highest among the groups gnomAD compares: African/African-American, 4.8%; 121 homozygotes.

Submissions (3):

Labcorp Genetics (formerly Invitae), Labcorp
Classification: Benign. Last evaluated: 2018-04-26. Review status: criteria provided, single submitter. Criteria: Invitae Variant Classification Sherloc (09022015). Collection method: clinical testing. Allele origin: germline.

Breakthrough Genomics
Classification: Benign. Review status: criteria provided, single submitter. Criteria: ACMG Guidelines, 2015. Collection method: not provided. Allele origin: germline. Inheritance: Unknown mechanism. Affected: yes.

PreventionGenetics, part of Exact Sciences
Classification: Benign for FAT3-related condition. Last evaluated: 2019-11-06. Review status: no assertion criteria provided. Collection method: clinical testing. Allele origin: germline. Not counted in ClinVar's aggregate classification.
Comment: This variant is classified as benign based on ACMG/AMP sequence variant interpretation guidelines (Richards et al. 2015 PMID: 25741868, with internal and published modifications).